The following is an entry in ClinVar:

NM_000081.4(LYST):c.8890A>G (p.Arg2964Gly)

Gene: LYST (lysosomal trafficking regulator; minus strand). Cytogenetic location: 1q42.3.
Variant type: single nucleotide variant.
Coding change: c.8890A>G on transcript NM_000081.4 (MANE Select); coding-DNA position 8890, A replaced by G.
Protein change: p.Arg2964Gly; replaces arginine 2964 with glycine.
Molecular consequence: missense variant.
Genome position (GRCh38, 1-based): chr1:235,731,089, T>C on the plus strand (A>G on the coding strand, the complement: LYST is on the minus strand). VCF-style: chr1-235731089-T-C. GRCh37 (hg19) VCF-style: chr1-235894389-T-C.
Other names: c.8890A>G, p.Arg2964Gly (NM_001301365.1); short protein forms R2964G.
Identifiers: ClinVar variation 4744073 (VCV004744073.1).

ClinVar aggregate classification (germline): Uncertain significance (1 of 4 stars; one submission).

Conditions:
Chédiak-Higashi syndrome (CHS). Also called: Chediak-Higashi Syndrome. Identifiers: Orphanet 167, MedGen C0007965, MONDO:0008963, OMIM 214500.

Submission:

Labcorp Genetics (formerly Invitae), Labcorp
Classification: Uncertain significance for Chédiak-Higashi syndrome. Last evaluated: 2025-10-24. Review status: criteria provided, single submitter. Criteria: Invitae Variant Classification Sherloc (09022015). Collection method: clinical testing. Allele origin: germline.
Comment: This sequence change replaces arginine, which is basic and polar, with glycine, which is neutral and non-polar, at codon 2964 of the LYST protein (p.Arg2964Gly). This variant is not present in population databases (gnomAD no frequency). This variant has not been reported in the literature in individuals affected with LYST-related conditions. Invitae Evidence Modeling of protein sequence and biophysical properties (such as structural, functional, and spatial information, amino acid conservation, physicochemical variation, residue mobility, and thermodynamic stability) indicates that this missense variant is expected to disrupt LYST protein function with a positive predictive value of 80%. In summary, the available evidence is currently insufficient to determine the role of this variant in disease. Therefore, it has been classified as a Variant of Uncertain Significance.